The following is an entry in ClinVar:

NM_005609.4(PYGM):c.1904C>T (p.Pro635Leu)

Gene: PYGM (glycogen phosphorylase, muscle associated; minus strand). Cytogenetic location: 11q13.1.
Variant type: single nucleotide variant.
Coding change: c.1904C>T on transcript NM_005609.4 (MANE Select); coding-DNA position 1904, C replaced by T.
Protein change: p.Pro635Leu; replaces proline 635 with leucine.
Molecular consequence: missense variant.
Genome position (GRCh38, 1-based): chr11:64,751,390, G>A on the plus strand (C>T on the coding strand, the complement: PYGM is on the minus strand). VCF-style: chr11-64751390-G-A. GRCh37 (hg19) VCF-style: chr11-64518862-G-A.
Other names: c.1904C>T (NM_005609.2); c.1640C>T, p.Pro547Leu (NM_001164716.1); short protein forms P635L, P547L.
Identifiers: ClinVar variation 2141489 (VCV002141489.2), dbSNP rs368385152, ClinGen allele CA6079680.

ClinVar aggregate classification (germline): Uncertain significance. Review status: criteria provided, multiple submitters, no conflicts (2 of 4 stars). 2 submissions from 2 submitters: Uncertain significance (2). Last evaluated 2022-08-13.

Conditions:
Glycogen storage disease, type V (GSD5). Also called: MCARDLE DISEASE; MUSCLE GLYCOGEN PHOSPHORYLASE DEFICIENCY; MYOPHOSPHORYLASE DEFICIENCY; PYGM DEFICIENCY; McArdle type glycogen storage disease. Identifiers: Orphanet 368, MedGen C0017924, MONDO:0009293, OMIM 232600.
Inborn genetic diseases. Identifiers: MedGen C0950123, MeSH D030342.

Allele frequency attached by ClinVar (database versions not stated): gnomAD exomes 0.00003; TOPMed 0.00005; ExAC 0.00007; gnomAD 0.00007; ESP Exome Variant Server 0.00008.

Submissions (2):

Labcorp Genetics (formerly Invitae), Labcorp
Classification: Uncertain significance for Glycogen storage disease, type V. Last evaluated: 2022-08-13. Review status: criteria provided, single submitter. Criteria: Invitae Variant Classification Sherloc (09022015). Collection method: clinical testing. Allele origin: germline.
Comment: This sequence change replaces proline, which is neutral and non-polar, with leucine, which is neutral and non-polar, at codon 635 of the PYGM protein (p.Pro635Leu). This variant is present in population databases (rs368385152, gnomAD 0.04%). This variant has not been reported in the literature in individuals affected with PYGM-related conditions. Algorithms developed to predict the effect of missense changes on protein structure and function are either unavailable or do not agree on the potential impact of this missense change (SIFT: "Not Available"; PolyPhen-2: "Possibly Damaging"; Align-GVGD: "Not Available"). In summary, the available evidence is currently insufficient to determine the role of this variant in disease. Therefore, it has been classified as a Variant of Uncertain Significance.

Ambry Genetics
Classification: Uncertain significance for Inborn genetic diseases. Last evaluated: 2021-11-12. Review status: criteria provided, single submitter. Criteria: Ambry Variant Classification Scheme 2023. Collection method: clinical testing. Allele origin: germline.